The following is an entry in ClinVar:

NM_001148.6(ANK2):c.10881T>G (p.His3627Gln)

Gene: ANK2 (ankyrin 2; plus strand). Cytogenetic location: 4q26.
Variant type: single nucleotide variant.
Coding change: c.10881T>G on transcript NM_001148.6 (MANE Select); coding-DNA position 10881, T replaced by G.
Protein change: p.His3627Gln; replaces histidine 3627 with glutamine.
Molecular consequence: missense variant.
Genome position (GRCh38, 1-based): chr4:113,363,462, T>G. VCF-style: chr4-113363462-T-G. GRCh37 (hg19) VCF-style: chr4-114284618-T-G.
Other names: c.4599T>G, p.His1533Gln (NM_001127493.3); c.4638T>G, p.His1546Gln (NM_001354225.2); c.4527T>G, p.His1509Gln (NM_001354228.2, NM_001354258.2); c.4605T>G, p.His1535Gln (NM_001354230.2); c.4668T>G, p.His1556Gln (NM_001354231.2, NM_001354242.2); c.4662T>G, p.His1554Gln (NM_001354232.2); c.4623T>G, p.His1541Gln (NM_001354235.2, NM_001354246.2, NM_001354265.2); c.4524T>G, p.His1508Gln (NM_001354236.2); and 35 more; short protein forms H1533Q, H1542Q, H3627Q, H1447Q, H1467Q, H1480Q, H1495Q, H1525Q.
Identifiers: ClinVar variation 222497 (VCV000222497.48), dbSNP rs148405740, ClinGen allele CA074011.
Genomic context (GRCh38, chr4:113,363,462, plus strand): 5'-CTCTCTTCAAGACCAGAGTCATGCACTGTTGAAGTACTGGCTAGAGAGGGATGGGAAACA[T>G]GCTACAGGTAAGTGGGGAACTATATGCATATTGGGCTAAAGTTGGACATGTCTTGCTCAA-3'
Protein context (NP_001139.3, residues 3617-3637): LKYWLERDGK[His3627Gln]ATDTNLVECL

ClinVar aggregate classification (germline): Conflicting classifications of pathogenicity. Review status: criteria provided, conflicting classifications (1 of 4 stars). 8 submissions from 8 submitters: Uncertain significance (2); Likely benign (5). 1 of the submissions does not count toward it. Last evaluated 2026-09-01.

Conditions:
ANK2-related disorder. Also called: ANK2-related condition.
Cardiovascular phenotype. Identifiers: MedGen CN230736.
Long QT syndrome (LQTS). Identifiers: MedGen C0023976, MeSH D008133, MONDO:0002442. Disease mechanism: loss of function. Inheritance: Various modes of inheritance.
Cardiac arrhythmia, ankyrin-B-related. Also called: ANKYRIN-B SYNDROME. Identifiers: Orphanet 101016, Orphanet 768, MedGen C1970119, MONDO:0010958, OMIM 600919.
Intellectual disability. Also called: Intellectual functioning disability; Intellectual developmental disorder; intellectual disabilities. Identifiers: MedGen C3714756, MeSH D008607, MONDO:0001071, HP:0001249.

Allele frequency attached by ClinVar (database versions not stated): ESP Exome Variant Server 0.00008; gnomAD exomes 0.00015 and 0.00024; ExAC 0.00019; gnomAD 0.00029; 1000 Genomes Project 30x 0.00031; 1000 Genomes Project 0.00040; TOPMed 0.00056.
gnomAD v4.1: 281 of 1,613,414 alleles (0.017%); highest among the groups gnomAD compares: Admixed American, 0.14%; no homozygotes.

Submissions (8):

CeGaT Center for Human Genetics Tuebingen
Classification: Likely benign. Last evaluated: 2026-09-01. Review status: criteria provided, single submitter. Criteria: CeGaT Center For Human Genetics Tuebingen Variant Classification Criteria Version 2. Collection method: clinical testing. Allele origin: germline. Affected: yes. Observed: 3 variant alleles.
Comment: ANK2: BP4, BS1

GeneDx
Classification: Uncertain significance. Last evaluated: 2026-01-07. Review status: criteria provided, single submitter. Criteria: GeneDx Variant Classification Process June 2021. Collection method: clinical testing. Allele origin: germline. Affected: yes.
Comment: Identified in an individual with aborted sudden cardiac death (SCD) and an individual with an unspecified arrhythmia in the published literature (PMID: 30847666); In silico analysis supports that this missense variant has a deleterious effect on protein structure/function; This variant is associated with the following publications: (PMID: 30847666)

Labcorp Genetics (formerly Invitae), Labcorp
Classification: Likely benign for Long QT syndrome. Last evaluated: 2025-11-22. Review status: criteria provided, single submitter. Criteria: Invitae Variant Classification Sherloc (09022015). Collection method: clinical testing. Allele origin: germline.

PreventionGenetics, part of Exact Sciences
Classification: Likely benign for ANK2-related condition. Last evaluated: 2025-06-02. Review status: criteria provided, single submitter. Criteria: ACMG Guidelines, 2015. Collection method: clinical testing. Allele origin: germline.
Comment: This variant is classified as likely benign based on ACMG/AMP sequence variant interpretation guidelines (Richards et al. 2015 PMID: 25741868, with internal and published modifications).

Blueprint Genetics
Classification: Likely benign. Last evaluated: 2024-08-30. Review status: criteria provided, single submitter. Criteria: ACMG Guidelines, 2015. Collection method: clinical testing. Allele origin: germline.

Ambry Genetics
Classification: Likely benign for Cardiovascular phenotype. Last evaluated: 2020-11-12. Review status: criteria provided, single submitter. Criteria: Ambry Variant Classification Scheme 2023. Collection method: clinical testing. Allele origin: germline.

Fulgent Genetics
Classification: Uncertain significance for Cardiac arrhythmia, ankyrin-B-related. Last evaluated: 2018-10-31. Review status: criteria provided, single submitter. Criteria: ACMG Guidelines, 2015. Collection method: clinical testing. Allele origin: unknown.

Centre de Biologie Pathologie Génétique, Centre Hospitalier Universitaire de Lille
Classification: Uncertain significance for Intellectual disability. Last evaluated: 2019-01-01. Review status: no assertion criteria provided. Collection method: clinical testing. Allele origin: unknown. Affected: yes. Not counted in ClinVar's aggregate classification.

Literature cited by the submitters: PubMed 30847666 (cited by Ambry Genetics).